The following is an entry in ClinVar:

ClinVar aggregate classification (germline): Uncertain significance. Review status: criteria provided, multiple submitters, no conflicts (2 of 4 stars). 2 submissions from 2 submitters: Uncertain significance (2). Last evaluated 2024-09-23.

Allele frequency attached by ClinVar (database versions not stated): ExAC 0.00001; gnomAD 0.00002; gnomAD exomes 0.00002 and 0.00006; TOPMed 0.00003.
gnomAD v4.1: 83 of 1,614,058 alleles (0.0051%); highest among the groups gnomAD compares: Non-Finnish European, 0.0069%; no homozygotes.

Submissions (2):

Women's Health and Genetics/Laboratory Corporation of America, LabCorp
Classification: Uncertain significance. Last evaluated: 2024-09-23. Review status: criteria provided, single submitter. Criteria: LabCorp Variant Classification Summary - May 2015. Collection method: clinical testing. Allele origin: germline.
Comment: Variant summary: VWF c.6197A>G (p.Asn2066Ser) results in a conservative amino acid change located in the von Willebrand factor, type D domain (IPR001846) of the encoded protein sequence. Three of five in-silico tools predict a damaging effect of the variant on protein function. The variant allele was found at a frequency of 2e-05 in 251480 control chromosomes. The available data on variant occurrences in the general population are insufficient to allow any conclusion about variant significance. c.6197A>G has been reported in the literature in individuals affected with Von Willebrand Disease (e.g. Corrales_2012, Batlle_2016, Borras_2017, Perez-Rodriguez_2021). It is frequently found in cis with a second variant in VWF, p.Tyr126Thrfs*49. These report(s) do not provide unequivocal conclusions about association of the variant with Von Willebrand Disease. To our knowledge, no experimental evidence demonstrating an impact on protein function has been reported. The following publications have been ascertained in the context of this evaluation (PMID: 26245874, 28971901, 22315491, 34494337). ClinVar contains an entry for this variant (Variation ID: 1303108). Based on the evidence outlined above, the variant was classified as uncertain significance.

GeneDx
Classification: Uncertain significance. Last evaluated: 2019-10-10. Review status: criteria provided, single submitter. Criteria: GeneDx Variant Classification Process June 2021. Collection method: clinical testing. Allele origin: germline. Affected: yes.
Comment: In silico analysis, which includes protein predictors and evolutionary conservation, supports that this variant does not alter protein structure/function; This variant is associated with the following publications: (PMID: 26245874, 19277422)

Literature cited by the submitters: PubMed 28971901 (cited by Women's Health and Genetics/Laboratory Corporation of America, LabCorp); PubMed 22315491 (cited by Women's Health and Genetics/Laboratory Corporation of America, LabCorp); PubMed 34494337 (cited by Women's Health and Genetics/Laboratory Corporation of America, LabCorp); PubMed 26245874 (cited by Women's Health and Genetics/Laboratory Corporation of America, LabCorp).

NM_000552.5(VWF):c.6197A>G (p.Asn2066Ser)

Gene: VWF (von Willebrand factor; minus strand). Cytogenetic location: 12p13.31.
Variant type: single nucleotide variant.
Coding change: c.6197A>G on transcript NM_000552.5 (MANE Select); coding-DNA position 6197, A replaced by G.
Protein change: p.Asn2066Ser; replaces asparagine 2066 with serine.
Molecular consequence: missense variant.
Genome position (GRCh38, 1-based): chr12:5,994,474, T>C on the plus strand (A>G on the coding strand, the complement: VWF is on the minus strand). VCF-style: chr12-5994474-T-C. GRCh37 (hg19) VCF-style: chr12-6103640-T-C.
Other names: short protein forms N2066S.
Identifiers: ClinVar variation 1303108 (VCV001303108.3), dbSNP rs777974428, ClinGen allele CA6402051.
Genomic context (GRCh38, chr12:5,994,474, plus strand): 5'-CCACACAGACCATACGTCTTTGAAGCAAAAGTCTTGGGGCTGAGCTGCAGTTGGAACTCA[T>C]TGTTTTGTGGAGTGAATGTGAAGATGTGACCAAGGTGATTGAATCTGACCTCATGCATGA-3'
Protein context (NP_000543.3, residues 2056-2076): GHIFTFTPQN[Asn2066Ser]EFQLQLSPKT